The following is an entry in ClinVar:

ClinVar aggregate classification (germline): Uncertain significance. Review status: criteria provided, multiple submitters, no conflicts (2 of 4 stars). 5 submissions from 5 submitters: Uncertain significance (5). Last evaluated 2024-07-30.

Conditions:
Hereditary cancer-predisposing syndrome. Also called: Hereditary neoplastic syndrome; Hereditary Cancer Syndrome; Neoplastic Syndromes, Hereditary; Tumor predisposition. Identifiers: Orphanet 140162, MedGen C0027672, MeSH D009386, MONDO:0015356.
Microcephaly, normal intelligence and immunodeficiency (NBS). Also called: BERLIN BREAKAGE SYNDROME; SEEMANOVA SYNDROME II; Immunodeficiency, microcephaly with normal intelligence; Nijmegen breakage syndrome; Microcephaly with normal intelligence immunodeficiency and lymphoreticular malignancies; Nonsyndromal microcephaly autosomal recessive with normal intelligence. Identifiers: Orphanet 647, MedGen C0398791, MONDO:0009623, OMIM 251260.

Allele frequency attached by ClinVar (database versions not stated): gnomAD exomes below 0.00001; TOPMed below 0.00001; gnomAD 0.00001.
gnomAD v4.1: 3 of 1,612,272 alleles (0.00019%); highest among the groups gnomAD compares: African/African-American, 0.004%; no homozygotes.

Submissions (5):

Ambry Genetics
Classification: Uncertain significance for Hereditary cancer-predisposing syndrome. Last evaluated: 2024-07-30. Review status: criteria provided, single submitter. Criteria: Ambry Variant Classification Scheme 2023. Collection method: clinical testing. Allele origin: germline.
Comment: The p.G124R variant (also known as c.370G>A), located in coding exon 4 of the NBN gene, results from a G to A substitution at nucleotide position 370. The glycine at codon 124 is replaced by arginine, an amino acid with dissimilar properties. This amino acid position is well conserved in available vertebrate species. In addition, this alteration is predicted to be tolerated by in silico analysis. Based on the available evidence, the clinical significance of this variant remains unclear.

Labcorp Genetics (formerly Invitae), Labcorp
Classification: Uncertain significance for Microcephaly, normal intelligence and immunodeficiency. Last evaluated: 2023-11-06. Review status: criteria provided, single submitter. Criteria: Invitae Variant Classification Sherloc (09022015). Collection method: clinical testing. Allele origin: germline.
Comment: This sequence change replaces glycine, which is neutral and non-polar, with arginine, which is basic and polar, at codon 124 of the NBN protein (p.Gly124Arg). This variant is not present in population databases (gnomAD no frequency). This variant has not been reported in the literature in individuals affected with NBN-related conditions. ClinVar contains an entry for this variant (Variation ID: 420941). An algorithm developed to predict the effect of missense changes on protein structure and function (PolyPhen-2) suggests that this variant is likely to be disruptive. In summary, the available evidence is currently insufficient to determine the role of this variant in disease. Therefore, it has been classified as a Variant of Uncertain Significance.

Genome-Nilou Lab
Classification: Uncertain significance for Microcephaly, normal intelligence and immunodeficiency. Last evaluated: 2021-11-07. Review status: criteria provided, single submitter. Criteria: ACMG Guidelines, 2015. Collection method: clinical testing. Allele origin: germline. Affected: no.

Quest Diagnostics Nichols Institute San Juan Capistrano
Classification: Uncertain significance. Last evaluated: 2019-01-15. Review status: criteria provided, single submitter. Criteria: Quest Diagnostics criteria. Collection method: clinical testing. Allele origin: germline.

GeneDx
Classification: Uncertain significance. Last evaluated: 2016-04-14. Review status: criteria provided, single submitter. Criteria: GeneDx Variant Classification (06012015). Collection method: clinical testing. Allele origin: germline. Affected: yes.
Comment: This variant is denoted NBN c.370G>A at the cDNA level, p.Gly124Arg (G124R) at the protein level, and results in the change of a Glycine to an Arginine (GGG>AGG). This variant has not, to our knowledge, been published in the literature as pathogenic or benign. NBN Gly124Arg was not observed in approximately 6,500 individuals of European and African American ancestry in the NHLBI Exome Sequencing Project, suggesting it is not a common benign variant in these populations. Since Glycine and Arginine differ in polarity, charge, size or other properties, this is considered a non-conservative amino acid substitution. NBN Gly124Arg occurs at a position that is conserved in mammals and is located in the BRCT domain and within a region mediating interaction with SP100 (UniProt). Protein-based in silico analyses predict that this variant is probably damaging to protein structure and function. In addition, multiple splicing models predict that this variant may create a cryptic splice acceptor site downstream of the natural splice acceptor site of exon 4 and to possibly lead to abnormal splicing. Based on currently available evidence, it is unclear whether NBN Gly124Arg is a pathogenic or benign variant. We consider it to be a variant of uncertain significance.

NM_002485.5(NBN):c.370G>A (p.Gly124Arg)

Gene: NBN (nibrin; minus strand). Cytogenetic location: 8q21.3.
Variant type: single nucleotide variant.
Coding change: c.370G>A on transcript NM_002485.5 (MANE Select); coding-DNA position 370, G replaced by A.
Protein change: p.Gly124Arg; replaces glycine 124 with arginine.
Molecular consequence: missense variant.
Genome position (GRCh38, 1-based): chr8:89,980,844, C>T on the plus strand (G>A on the coding strand, the complement: NBN is on the minus strand). VCF-style: chr8-89980844-C-T. GRCh37 (hg19) VCF-style: chr8-90993072-C-T.
Other names: c.124G>A, p.Gly42Arg (NM_001024688.3); short protein forms G124R, G42R.
Identifiers: ClinVar variation 420941 (VCV000420941.19), dbSNP rs1064794806, ClinGen allele CA16618709.